The following is an entry in ClinVar:

NM_001290060.2(SEMA3B):c.1470C>A (p.Ser490Arg)

Gene: SEMA3B (semaphorin 3B; plus strand). Cytogenetic location: 3p21.31.
Variant type: single nucleotide variant.
Coding change: c.1470C>A on transcript NM_001290060.2 (MANE Select); coding-DNA position 1470, C replaced by A.
Protein change: p.Ser490Arg; replaces serine 490 with arginine.
Molecular consequence: missense variant. On other transcripts: non-coding transcript variant (1).
Genome position (GRCh38, 1-based): chr3:50,275,032, C>A. VCF-style: chr3-50275032-C-A. GRCh37 (hg19) VCF-style: chr3-50312463-C-A.
Other names: c.1467C>A, p.Ser489Arg (NM_001005914.3); c.1485C>A, p.Ser495Arg (NM_001290061.1); c.441C>A, p.Ser147Arg (NM_001290062.2, NM_001290063.2); c.1470C>A, p.Ser490Arg (NM_004636.4); short protein forms S147R, S489R, S490R, S495R.
Identifiers: ClinVar variation 3036416 (VCV003036416.2), dbSNP rs782525480, ClinGen allele CA2414063.

ClinVar aggregate classification (germline): Likely benign (0 of 4 stars; one submission).

Conditions:
SEMA3B-related disorder. Also called: SEMA3B-related condition.

Allele frequency attached by ClinVar (database versions not stated): TOPMed 0.00017; gnomAD 0.00015; ExAC 0.00018.
gnomAD v4.1: 208 of 1,591,040 alleles (0.013%); highest among the groups gnomAD compares: Non-Finnish European, 0.0043%; no homozygotes.

Submission:

PreventionGenetics, part of Exact Sciences
Classification: Likely benign for SEMA3B-related condition. Last evaluated: 2022-10-03. Review status: no assertion criteria provided. Collection method: clinical testing. Allele origin: germline.
Comment: This variant is classified as likely benign based on ACMG/AMP sequence variant interpretation guidelines (Richards et al. 2015 PMID: 25741868, with internal and published modifications).